The following is an entry in ClinVar:

ClinVar aggregate classification (germline): Conflicting classifications of pathogenicity. Review status: criteria provided, conflicting classifications (1 of 4 stars). 11 submissions from 10 submitters: Uncertain significance (2); Benign (1); Likely benign (6). 2 of the submissions do not count toward it. Last evaluated 2026-08-01.

Conditions:
WFS1-related disorder. Identifiers: MedGen CN379391, MONDO:0700293.
WFS1-Related Spectrum Disorders.
Wolfram syndrome 1 (WFS1). Identifiers: Orphanet 3463, MedGen C4551693, MONDO:0009101, OMIM 222300.
Autosomal dominant nonsyndromic hearing loss 6 (LFSNHL). Also called: Autosomal dominant nonsyndromic deafness 6; DEAFNESS, AUTOSOMAL DOMINANT 14; DEAFNESS, AUTOSOMAL DOMINANT 38; DEAFNESS, AUTOSOMAL DOMINANT 6. Identifiers: Orphanet 90635, MedGen C1833021, MONDO:0010963, OMIM 600965.

Allele frequency attached by ClinVar (database versions not stated): gnomAD 0.00014 and 0.00015; 1000 Genomes Project 0.00020; TOPMed 0.00020; gnomAD exomes 0.00022 and 0.00032; 1000 Genomes Project 30x 0.00031; ExAC 0.00035.

Submissions (11):

CeGaT Center for Human Genetics Tuebingen
Classification: Likely benign. Last evaluated: 2026-08-01. Review status: criteria provided, single submitter. Criteria: CeGaT Center For Human Genetics Tuebingen Variant Classification Criteria Version 2. Collection method: clinical testing. Allele origin: germline. Affected: yes. Observed: 4 variant alleles.
Comment: WFS1: BP4, BP7

Labcorp Genetics (formerly Invitae), Labcorp
Classification: Likely benign. Last evaluated: 2026-01-02. Review status: criteria provided, single submitter. Criteria: Invitae Variant Classification Sherloc (09022015). Collection method: clinical testing. Allele origin: germline.

PreventionGenetics, part of Exact Sciences
Classification: Likely benign for WFS1-related condition. Last evaluated: 2025-01-07. Review status: criteria provided, single submitter. Criteria: ACMG Guidelines, 2015. Collection method: clinical testing. Allele origin: germline.
Comment: This variant is classified as likely benign based on ACMG/AMP sequence variant interpretation guidelines (Richards et al. 2015 PMID: 25741868, with internal and published modifications).

Blueprint Genetics
Classification: Likely benign. Last evaluated: 2024-11-06. Review status: criteria provided, single submitter. Criteria: ACMG Guidelines, 2015. Collection method: clinical testing. Allele origin: germline.

GeneDx
Classification: Likely benign. Last evaluated: 2021-01-25. Review status: criteria provided, single submitter. Criteria: GeneDx Variant Classification Process June 2021. Collection method: clinical testing. Allele origin: germline. Affected: yes.

Illumina Laboratory Services, Illumina
Classification: Uncertain significance for Autosomal dominant nonsyndromic hearing loss 6. Last evaluated: 2018-01-13. Review status: criteria provided, single submitter. Criteria: ICSL Variant Classification Criteria 13 December 2019. Collection method: clinical testing. Allele origin: germline.

Illumina Laboratory Services, Illumina
Classification: Uncertain significance for WFS1-Related Spectrum Disorders. Last evaluated: 2018-01-13. Review status: criteria provided, single submitter. Criteria: ICSL Variant Classification Criteria 13 December 2019. Collection method: clinical testing. Allele origin: germline.

Laboratory for Molecular Medicine, Mass General Brigham Personalized Medicine
Classification: Likely benign. Last evaluated: 2014-08-19. Review status: criteria provided, single submitter. Criteria: LMM Criteria. Collection method: clinical testing. Allele origin: germline. Observed: 1 variant allele.
Comment: Ala889Ala in exon 8 of WFS1: This variant is not expected to have clinical signi ficance because it does not alter an amino acid residue and it is not located wi thin the splice consensus sequence. In addition, this variant has been identifi ed in 0.08% (1/1246) of European chromosomes in the ClinSeq project (rs71526454) .

Clinical Genomics, Uppaluri K&H Personalized Medicine Clinic
Classification: Benign for Wolfram syndrome 1. Review status: criteria provided, single submitter. Criteria: K & H Uppaluri Personalized Medicine Clinic Variant Classification & Assertion Criteria_Updated V.1. Collection method: research. Allele origin: unknown. Inheritance: Autosomal recessive inheritance.
Comment: Potent mutations in WFS1 gene are associated with Wolfram's syndrome, an autosomal recessive condition, which cause diabetes mellitus, diabetes insipidus, deafness and optic atrophy.However no sufficient evidence is found to ascertain the role of this particular variant rs71526454 in Wolfram's syndrome yet.

Clinical Genetics DNA and cytogenetics Diagnostics Lab, Erasmus MC, Erasmus Medical Center
Classification: Likely benign. Review status: no assertion criteria provided. Collection method: clinical testing. Allele origin: germline. Affected: yes. Study: VKGL Data-share Consensus. Not counted in ClinVar's aggregate classification.

Laboratory of Diagnostic Genome Analysis, Leiden University Medical Center (LUMC)
Classification: Likely benign. Review status: no assertion criteria provided. Collection method: clinical testing. Allele origin: germline. Affected: yes. Study: VKGL Data-share Consensus. Not counted in ClinVar's aggregate classification.

Literature cited by the submitters: PubMed 20738327 (cited by Clinical Genomics, Uppaluri K&H Personalized Medicine Clinic); PubMed 33879153 (cited by Clinical Genomics, Uppaluri K&H Personalized Medicine Clinic); PubMed 12955714 (cited by Clinical Genomics, Uppaluri K&H Personalized Medicine Clinic); PubMed 18060660 (cited by Clinical Genomics, Uppaluri K&H Personalized Medicine Clinic); PubMed 20301750 (cited by Clinical Genomics, Uppaluri K&H Personalized Medicine Clinic); PubMed 17603484 (cited by Clinical Genomics, Uppaluri K&H Personalized Medicine Clinic).

NM_006005.3(WFS1):c.2667G>A (p.Ala889=)

Gene: WFS1 (wolframin ER transmembrane glycoprotein; plus strand). Cytogenetic location: 4p16.1.
Variant type: single nucleotide variant.
Coding change: c.2667G>A on transcript NM_006005.3 (MANE Select); coding-DNA position 2667, G replaced by A.
Protein change: p.Ala889=; no amino-acid change (alanine 889 retained).
Molecular consequence: synonymous variant.
Genome position (GRCh38, 1-based): chr4:6,302,462, G>A. VCF-style: chr4-6302462-G-A. GRCh37 (hg19) VCF-style: chr4-6304189-G-A.
Other names: c.2667G>A, p.Ala889= (NM_001145853.1).
Identifiers: ClinVar variation 166614 (VCV000166614.64), dbSNP rs71526454, ClinGen allele CA179687.